The following is an entry in ClinVar:

ClinVar aggregate classification (germline): Uncertain significance. Review status: criteria provided, multiple submitters, no conflicts (2 of 4 stars). 2 submissions from 2 submitters: Uncertain significance (2). Last evaluated 2024-09-08.

Conditions:
Erythrocytosis, familial, 3 (ECYT3). Identifiers: Orphanet 247511, MedGen C1853286, MONDO:0012353, OMIM 609820.

Allele frequency attached by ClinVar (database versions not stated): gnomAD exomes below 0.00001.
gnomAD v4.1: 3 of 1,305,450 alleles (0.00023%); highest among the groups gnomAD compares: East Asian, 0.0064%; no homozygotes.

Submissions (2):

Ambry Genetics
Classification: Uncertain significance. Last evaluated: 2024-09-08. Review status: criteria provided, single submitter. Criteria: Ambry Variant Classification Scheme 2023. Collection method: clinical testing. Allele origin: germline.
Comment: The p.P116L variant (also known as c.347C>T), located in coding exon 1 of the EGLN1 gene, results from a C to T substitution at nucleotide position 347. The proline at codon 116 is replaced by leucine, an amino acid with similar properties. This amino acid position is conserved. In addition, this alteration is predicted to be tolerated by in silico analysis. Since supporting evidence is limited at this time, the clinical significance of this alteration remains unclear.

Labcorp Genetics (formerly Invitae), Labcorp
Classification: Uncertain significance for Erythrocytosis, familial, 3. Last evaluated: 2023-12-29. Review status: criteria provided, single submitter. Criteria: Invitae Variant Classification Sherloc (09022015). Collection method: clinical testing. Allele origin: germline.
Comment: This sequence change replaces proline, which is neutral and non-polar, with leucine, which is neutral and non-polar, at codon 116 of the EGLN1 protein (p.Pro116Leu). This variant is not present in population databases (gnomAD no frequency). This variant has not been reported in the literature in individuals affected with EGLN1-related conditions. ClinVar contains an entry for this variant (Variation ID: 1731832). An algorithm developed to predict the effect of missense changes on protein structure and function (PolyPhen-2) suggests that this variant is likely to be disruptive. In summary, the available evidence is currently insufficient to determine the role of this variant in disease. Therefore, it has been classified as a Variant of Uncertain Significance.

NM_022051.3(EGLN1):c.347C>T (p.Pro116Leu)

Gene: EGLN1 (egl-9 family hypoxia inducible factor 1; minus strand). Cytogenetic location: 1q42.2.
Variant type: single nucleotide variant.
Coding change: c.347C>T on transcript NM_022051.3 (MANE Select); coding-DNA position 347, C replaced by T.
Protein change: p.Pro116Leu; replaces proline 116 with leucine.
Molecular consequence: missense variant.
Genome position (GRCh38, 1-based): chr1:231,421,542, G>A on the plus strand (C>T on the coding strand, the complement: EGLN1 is on the minus strand). VCF-style: chr1-231421542-G-A. GRCh37 (hg19) VCF-style: chr1-231557288-G-A.
Other names: c.347C>T, p.Pro116Leu (NM_001377260.1, NM_001377261.1); short protein forms P116L.
Identifiers: ClinVar variation 1731832 (VCV001731832.6), dbSNP rs1231329190, ClinGen allele CA345237541.